The following is an entry in ClinVar:

ClinVar aggregate classification (germline): Benign. Review status: criteria provided, multiple submitters, no conflicts (2 of 4 stars). 4 submissions from 3 submitters: Benign (4). Last evaluated 2021-06-15.

Conditions:
Infantile GM1 gangliosidosis. Also called: Gangliosidosis, Generalized GM1, Type 1; GM1-gangliosidosis, type I; Gangliosidosis, generalized GM1, infantile form; GLB1 deficiency; GM1 gangliosidosis type 1. Identifiers: Orphanet 354, Orphanet 79255, MedGen C0268271, MONDO:0009260, OMIM 230500.
Mucopolysaccharidosis, MPS-IV-B (MPS4B). Also called: MORQUIO SYNDROME B; Mucopolysaccharidosis Type IVB; Mucopolysaccharidosis type IV B; Mucopolysaccharidosis Type IVB (Morquio B Disease); Mucopolysaccharidosis type 4B; Mucopolysaccharidosis type IVB (Morquio). Identifiers: Orphanet 309310, Orphanet 582, MedGen C0086652, MONDO:0009660, OMIM 253010.

Allele frequency attached by ClinVar (database versions not stated): ESP Exome Variant Server 0.74442; TOPMed 0.75218; gnomAD 0.75289 and 0.76551; 1000 Genomes Project 30x 0.77108; 1000 Genomes Project 0.78015; gnomAD exomes 0.87566.
gnomAD v4.1: 1,394,961 of 1,612,774 alleles (86%); highest among the groups gnomAD compares: East Asian, 100%; 611,292 homozygotes.

Submissions (4):

Pars Genome Lab
Classification: Benign for Infantile GM1 gangliosidosis. Last evaluated: 2021-06-15. Review status: criteria provided, single submitter. Criteria: ACMG Guidelines, 2015. Collection method: clinical testing. Allele origin: germline. Affected: no.

Pars Genome Lab
Classification: Benign for Mucopolysaccharidosis, MPS-IV-B. Last evaluated: 2021-06-15. Review status: criteria provided, single submitter. Criteria: ACMG Guidelines, 2015. Collection method: clinical testing. Allele origin: germline. Affected: no.

GeneDx
Classification: Benign. Last evaluated: 2018-06-19. Review status: criteria provided, single submitter. Criteria: GeneDx Variant Classification (06012015). Collection method: clinical testing. Allele origin: germline. Affected: yes.
Comment: This variant is considered likely benign or benign based on one or more of the following criteria: it is a conservative change, it occurs at a poorly conserved position in the protein, it is predicted to be benign by multiple in silico algorithms, and/or has population frequency not consistent with disease.

Breakthrough Genomics
Classification: Benign. Review status: criteria provided, single submitter. Criteria: ACMG Guidelines, 2015. Collection method: not provided. Allele origin: germline. Inheritance: Autosomal recessive inheritance. Affected: yes.

NM_000404.4(GLB1):c.955+60A>G

Gene: GLB1 (galactosidase beta 1; minus strand). Cytogenetic location: 3p22.3.
Variant type: single nucleotide variant.
Coding change: c.955+60A>G on transcript NM_000404.4 (MANE Select); 60 bases into the intron after coding-DNA position 955, A replaced by G.
Molecular consequence: intron variant.
Genome position (GRCh38, 1-based): chr3:33,051,698, T>C on the plus strand (A>G on the coding strand, the complement: GLB1 is on the minus strand). VCF-style: chr3-33051698-T-C. GRCh37 (hg19) VCF-style: chr3-33093190-T-C.
Other names: c.955+60A>G (NM_001393580.1); c.562+60A>G (NM_001135602.3); c.1099+60A>G (NM_001317040.2); c.865+60A>G (NM_001079811.3).
Identifiers: ClinVar variation 678119 (VCV000678119.4), dbSNP rs12632196, ClinGen allele CA15243516.